The following is an entry in ClinVar:

ClinVar aggregate classification (germline): Uncertain significance (1 of 4 stars; one submission).

Conditions:
PHEX-related disorder. Also called: PHEX-related condition.

Submission:

PreventionGenetics, part of Exact Sciences
Classification: Uncertain significance for PHEX-related condition. Last evaluated: 2025-11-01. Review status: criteria provided, single submitter. Criteria: ACMG Guidelines, 2015. Collection method: clinical testing. Allele origin: germline.
Comment: The PHEX c.1069G>A variant is predicted to result in the amino acid substitution p.Glu357Lys. To our knowledge, this variant has not been reported in the literature or in a large population database (gnomAD), indicating this variant is rare. At this time, the clinical significance of this variant is uncertain due to the absence of conclusive functional and genetic evidence.

NM_000444.6(PHEX):c.1069G>A (p.Glu357Lys)

Gene: PHEX (phosphate regulating endopeptidase X-linked; plus strand). Cytogenetic location: Xp22.11.
Variant type: single nucleotide variant.
Coding change: c.1069G>A on transcript NM_000444.6 (MANE Select); coding-DNA position 1069, G replaced by A.
Protein change: p.Glu357Lys; replaces glutamic acid 357 with lysine.
Molecular consequence: missense variant.
Genome position (GRCh38, 1-based): chrX:22,099,141, G>A. VCF-style: chrX-22099141-G-A. GRCh37 (hg19) VCF-style: chrX-22117259-G-A.
Other names: c.1069G>A, p.Glu357Lys (NM_001282754.2); short protein forms E357K.
Identifiers: ClinVar variation 4994275 (VCV004994275.1).